The following is an entry in ClinVar:

NM_003924.4(PHOX2B):c.649_669del (p.Gly217_Ala223del)

Gene: PHOX2B (paired like homeobox 2B; minus strand). Cytogenetic location: 4p13.
Variant type: Deletion.
Coding change: c.649_669del on transcript NM_003924.4 (MANE Select); coding-DNA positions 649 to 669, 21 bases deleted (GGGCCCAGCCCGGCTGGAGCT).
Protein change: p.Gly217_Ala223del.
Molecular consequence: inframe deletion.
Genome position (GRCh38, 1-based): chr4:41,746,083-41,746,103, AGCTCCAGCCGGGCTGGGCCC deleted on the plus strand (GGGCCCAGCCCGGCTGGAGCT on the coding strand, the reverse complement: PHOX2B is on the minus strand). VCF-style (leftmost placement, unchanged base first): chr4-41746082-GAGCTCCAGCCGGGCTGGGCCC-G. GRCh37 (hg19) VCF-style: chr4-41748099-GAGCTCCAGCCGGGCTGGGCCC-G.
Other names: c.649_669del (NM_003924.3).
Identifiers: ClinVar variation 826441 (VCV000826441.14), dbSNP rs1233756366, ClinGen allele CA551141140.

ClinVar aggregate classification (germline): Uncertain significance. Review status: criteria provided, multiple submitters, no conflicts (2 of 4 stars). 3 submissions from 3 submitters: Uncertain significance (3). Last evaluated 2025-02-19.

Conditions:
Hereditary cancer-predisposing syndrome. Also called: Neoplastic Syndromes, Hereditary; Tumor predisposition; Hereditary neoplastic syndrome; Hereditary Cancer Syndrome. Identifiers: Orphanet 140162, MedGen C0027672, MeSH D009386, MONDO:0015356.
Neuroblastoma, susceptibility to, 2. Identifiers: Orphanet 635, MedGen C2751682, MONDO:0700041, OMIM 613013.
Haddad syndrome (OHD). Also called: Ondine-Hirschsprung disease. Identifiers: Orphanet 99803, MedGen C1859049, MONDO:0020493.

Allele frequency attached by ClinVar (database versions not stated): gnomAD exomes below 0.00001 and 0.00001; TOPMed below 0.00001.

Submissions (3):

Ambry Genetics
Classification: Uncertain significance for Hereditary cancer-predisposing syndrome. Last evaluated: 2025-02-19. Review status: criteria provided, single submitter. Criteria: Ambry Variant Classification Scheme 2023. Collection method: clinical testing. Allele origin: germline.
Comment: The c.649_669del21 variant (also known as p.G217_A223del) is located in coding exon 3 of the PHOX2B gene. This variant results from an in-frame deletion of 21 nucleotides at positions 649 to 669. This results in the in-frame deletion of 7 amino acids at positions 217 to 223. This amino acid region is not well conserved in available vertebrate species. In addition, this alteration is predicted to be neutral by in silico analysis (Choi Y et al. PLoS ONE. 2012; 7(10):e46688). Based on the available evidence, the clinical significance of this variant remains unclear.

Baylor Genetics
Classification: Uncertain significance for Neuroblastoma, susceptibility to, 2. Last evaluated: 2023-10-11. Review status: criteria provided, single submitter. Criteria: ACMG Guidelines, 2015. Collection method: clinical testing. Allele origin: unknown.

Labcorp Genetics (formerly Invitae), Labcorp
Classification: Uncertain significance for Haddad syndrome. Last evaluated: 2023-09-02. Review status: criteria provided, single submitter. Criteria: Invitae Variant Classification Sherloc (09022015). Collection method: clinical testing. Allele origin: germline.
Comment: This variant has not been reported in the literature in individuals affected with PHOX2B-related conditions. This variant is present in population databases (no rsID available, gnomAD 0.004%). This variant, c.649_669del, results in the deletion of 7 amino acid(s) of the PHOX2B protein (p.Gly217_Ala223del), but otherwise preserves the integrity of the reading frame. ClinVar contains an entry for this variant (Variation ID: 826441). Experimental studies and prediction algorithms are not available or were not evaluated, and the functional significance of this variant is currently unknown. In summary, the available evidence is currently insufficient to determine the role of this variant in disease. Therefore, it has been classified as a Variant of Uncertain Significance.